The following is an entry in ClinVar:

ClinVar aggregate classification (germline): Likely benign (0 of 4 stars; one submission).

Conditions:
TECRL-related disorder. Also called: TECRL-related condition.

Submission:

PreventionGenetics, part of Exact Sciences
Classification: Likely benign for TECRL-related condition. Last evaluated: 2019-04-25. Review status: no assertion criteria provided. Collection method: clinical testing. Allele origin: germline.
Comment: This variant is classified as likely benign based on ACMG/AMP sequence variant interpretation guidelines (Richards et al. 2015 PMID: 25741868, with internal and published modifications).

NM_001010874.5(TECRL):c.156C>A (p.Val52=)

Gene: TECRL (trans-2,3-enoyl-CoA reductase like; minus strand). Cytogenetic location: 4q13.1.
Variant type: single nucleotide variant.
Coding change: c.156C>A on transcript NM_001010874.5 (MANE Select); coding-DNA position 156, C replaced by A.
Protein change: p.Val52=; no amino-acid change (valine 52 retained).
Molecular consequence: synonymous variant.
Genome position (GRCh38, 1-based): chr4:64,409,196, G>T on the plus strand (C>A on the coding strand, the complement: TECRL is on the minus strand). VCF-style: chr4-64409196-G-T. GRCh37 (hg19) VCF-style: chr4-65274914-G-T.
Other names: c.156C>A, p.Val52= (NM_001363796.1).
Identifiers: ClinVar variation 3043428 (VCV003043428.2), dbSNP rs2109805500, ClinGen allele CA439416156.